The following is an entry in ClinVar:

ClinVar aggregate classification (germline): Likely benign. Review status: criteria provided, single submitter (1 of 4 stars). 2 submissions from 2 submitters: Likely benign (1). 1 of the submissions does not count toward it. Last evaluated 2025-06-12.

Conditions:
NUP85-related disorder. Also called: NUP85-related condition.

Allele frequency attached by ClinVar (database versions not stated): ExAC 0.00012; TOPMed 0.00042; 1000 Genomes Project 30x 0.00078; gnomAD exomes 0.00005; ESP Exome Variant Server 0.00015; gnomAD 0.00050; 1000 Genomes Project 0.00060.
gnomAD v4.1: 157 of 1,614,160 alleles (0.0097%); highest among the groups gnomAD compares: African/African-American, 0.17%; no homozygotes.

Submissions (2):

Labcorp Genetics (formerly Invitae), Labcorp
Classification: Likely benign. Last evaluated: 2025-06-12. Review status: criteria provided, single submitter. Criteria: Invitae Variant Classification Sherloc (09022015). Collection method: clinical testing. Allele origin: germline.

PreventionGenetics, part of Exact Sciences
Classification: Likely benign for NUP85-related condition. Last evaluated: 2019-10-28. Review status: no assertion criteria provided. Collection method: clinical testing. Allele origin: germline. Not counted in ClinVar's aggregate classification.
Comment: This variant is classified as likely benign based on ACMG/AMP sequence variant interpretation guidelines (Richards et al. 2015 PMID: 25741868, with internal and published modifications).

NM_024844.5(NUP85):c.1488C>T (p.Ala496=)

Gene: NUP85 (nucleoporin 85; plus strand). Cytogenetic location: 17q25.1.
Variant type: single nucleotide variant.
Coding change: c.1488C>T on transcript NM_024844.5 (MANE Select); coding-DNA position 1488, C replaced by T.
Protein change: p.Ala496=; no amino-acid change (alanine 496 retained).
Molecular consequence: synonymous variant.
Genome position (GRCh38, 1-based): chr17:75,232,942, C>T. VCF-style: chr17-75232942-C-T. GRCh37 (hg19) VCF-style: chr17-73229037-C-T.
Other names: c.1488C>T (NM_024844.4); c.1350C>T, p.Ala450= (NM_001303276.2); c.1353C>T, p.Ala451= (NM_001330472.2).
Identifiers: ClinVar variation 2857083 (VCV002857083.5), dbSNP rs200313531, ClinGen allele CA8758875.